The following is an entry in ClinVar:

ClinVar aggregate classification (germline): Uncertain significance (1 of 4 stars; one submission).

gnomAD v4.1: 1 of 1,614,034 alleles (0.000062%); highest among the groups gnomAD compares: Non-Finnish European, 0.000085%; no homozygotes.

Submission:

GeneDx
Classification: Uncertain significance. Last evaluated: 2026-02-18. Review status: criteria provided, single submitter. Criteria: GeneDx Variant Classification Process June 2021. Collection method: clinical testing. Allele origin: germline.
Comment: De novo variant with confirmed parentage in a patient with a developmental disorder in published literature; however, additional clinical information was not provided and this individual also had a variant in another gene that may be contributing to the phenotype (PMID: 35982159, 33057194); In silico analysis suggests that this missense variant does not alter protein structure/function; Not observed at significant frequency in large population cohorts (gnomAD); This variant is associated with the following publications: (PMID: 35982159, 33057194)

NM_020706.2(SCAF4):c.1198G>A (p.Ala400Thr)

Gene: SCAF4 (SR-related CTD associated factor 4; minus strand). Cytogenetic location: 21q22.11.
Variant type: single nucleotide variant.
Coding change: c.1198G>A on transcript NM_020706.2 (MANE Select); coding-DNA position 1198, G replaced by A.
Protein change: p.Ala400Thr; replaces alanine 400 with threonine.
Molecular consequence: missense variant.
Genome position (GRCh38, 1-based): chr21:31,694,851, C>T on the plus strand (G>A on the coding strand, the complement: SCAF4 is on the minus strand). VCF-style: chr21-31694851-C-T. GRCh37 (hg19) VCF-style: chr21-33067164-C-T.
Other names: c.1153G>A, p.Ala385Thr (NM_001145444.1); c.1198G>A, p.Ala400Thr (NM_001145445.1); short protein forms A385T, A400T.
Identifiers: ClinVar variation 4976691 (VCV004976691.1).